The following is an entry in ClinVar:

ClinVar aggregate classification (germline): Uncertain significance (1 of 4 stars; one submission).

Conditions:
Spondyloepiphyseal dysplasia with congenital joint dislocations (SEDCJD). Also called: Chondrodysplasia with Congenital Joint Dislocations, CHST3-Related. Identifiers: Orphanet 263463, MedGen C1837657, MONDO:0007738, OMIM 143095.

Submission:

Labcorp Genetics (formerly Invitae), Labcorp
Classification: Uncertain significance for Spondyloepiphyseal dysplasia with congenital joint dislocations. Last evaluated: 2025-04-16. Review status: criteria provided, single submitter. Criteria: Invitae Variant Classification Sherloc (09022015). Collection method: clinical testing. Allele origin: germline.
Comment: This sequence change replaces phenylalanine, which is neutral and non-polar, with leucine, which is neutral and non-polar, at codon 147 of the CHST3 protein (p.Phe147Leu). This variant is not present in population databases (gnomAD no frequency). This variant has not been reported in the literature in individuals affected with CHST3-related conditions. Invitae Evidence Modeling of protein sequence and biophysical properties (such as structural, functional, and spatial information, amino acid conservation, physicochemical variation, residue mobility, and thermodynamic stability) has been performed for this missense variant. However, the output from this modeling did not meet the statistical confidence thresholds required to predict the impact of this variant on CHST3 protein function. In summary, the available evidence is currently insufficient to determine the role of this variant in disease. Therefore, it has been classified as a Variant of Uncertain Significance.

NM_004273.5(CHST3):c.441C>A (p.Phe147Leu)

Gene: CHST3 (carbohydrate sulfotransferase 3; plus strand). Cytogenetic location: 10q22.1.
Variant type: single nucleotide variant.
Coding change: c.441C>A on transcript NM_004273.5 (MANE Select); coding-DNA position 441, C replaced by A.
Protein change: p.Phe147Leu; replaces phenylalanine 147 with leucine.
Molecular consequence: missense variant.
Genome position (GRCh38, 1-based): chr10:72,007,472, C>A. VCF-style: chr10-72007472-C-A. GRCh37 (hg19) VCF-style: chr10-73767230-C-A.
Other names: c.441C>A, p.Phe147Leu (NM_001441201.1, NM_001441202.1); short protein forms F147L.
Identifiers: ClinVar variation 4735950 (VCV004735950.1).